The following is an entry in ClinVar:

ClinVar aggregate classification (germline): Benign/Likely benign. Review status: criteria provided, multiple submitters, no conflicts (2 of 4 stars). 2 submissions from 2 submitters: Benign (1); Likely benign (1). Last evaluated 2023-04-01.

Allele frequency attached by ClinVar (database versions not stated): 1000 Genomes Project 0.00260; 1000 Genomes Project 30x 0.00281; TOPMed 0.00417; ESP Exome Variant Server 0.00451; ExAC 0.00551; gnomAD 0.00599; gnomAD exomes 0.00670.
gnomAD v4.1: 10,507 of 1,614,048 alleles (0.65%); highest among the groups gnomAD compares: Non-Finnish European, 0.74%; 66 homozygotes.

Submissions (2):

CeGaT Center for Human Genetics Tuebingen
Classification: Likely benign. Last evaluated: 2023-04-01. Review status: criteria provided, single submitter. Criteria: CeGaT Center For Human Genetics Tuebingen Variant Classification Criteria Version 2. Collection method: clinical testing. Allele origin: germline. Affected: yes. Observed: 2 variant alleles.
Comment: TNS3: BS2

Labcorp Genetics (formerly Invitae), Labcorp
Classification: Benign. Last evaluated: 2019-12-31. Review status: criteria provided, single submitter. Criteria: Invitae Variant Classification Sherloc (09022015). Collection method: clinical testing. Allele origin: germline.

NM_022748.12(TNS3):c.3292C>G (p.Leu1098Val)

Gene: TNS3 (tensin 3; minus strand). Cytogenetic location: 7p12.3.
Variant type: single nucleotide variant.
Coding change: c.3292C>G on transcript NM_022748.12 (MANE Select); coding-DNA position 3292, C replaced by G.
Protein change: p.Leu1098Val; replaces leucine 1098 with valine.
Molecular consequence: missense variant.
Genome position (GRCh38, 1-based): chr7:47,303,115, G>C on the plus strand (C>G on the coding strand, the complement: TNS3 is on the minus strand). VCF-style: chr7-47303115-G-C. GRCh37 (hg19) VCF-style: chr7-47342713-G-C.
Other names: short protein forms L1098V.
Identifiers: ClinVar variation 713684 (VCV000713684.28), dbSNP rs188962919, ClinGen allele CA4250364.